The following is an entry in ClinVar:

ClinVar aggregate classification (germline): Benign/Likely benign. Review status: criteria provided, multiple submitters, no conflicts (2 of 4 stars). 3 submissions from 3 submitters: Benign (1); Likely benign (2). Last evaluated 2026-01-19.

Conditions:
Oligodontia-cancer predisposition syndrome. Also called: TOOTH AGENESIS-COLORECTAL CANCER SYNDROME. Identifiers: Orphanet 300576, MedGen C1837750, MONDO:0012075, OMIM 608615. Disease mechanism: loss of function.
Hereditary cancer-predisposing syndrome. Also called: Tumor predisposition; Hereditary neoplastic syndrome; Neoplastic Syndromes, Hereditary; Hereditary Cancer Syndrome. Identifiers: Orphanet 140162, MedGen C0027672, MeSH D009386, MONDO:0015356.

Allele frequency attached by ClinVar (database versions not stated): gnomAD 0.00001; ExAC 0.00002; TOPMed 0.00002.
gnomAD v4.1: 18 of 1,612,438 alleles (0.0011%); highest among the groups gnomAD compares: Admixed American, 0.0084%; no homozygotes.

Submissions (3):

Labcorp Genetics (formerly Invitae), Labcorp
Classification: Likely benign for Oligodontia-cancer predisposition syndrome. Last evaluated: 2026-01-19. Review status: criteria provided, single submitter. Criteria: Invitae Variant Classification Sherloc (09022015). Collection method: clinical testing. Allele origin: germline.

Myriad Genetics, Inc.
Classification: Benign for Oligodontia-cancer predisposition syndrome. Last evaluated: 2024-06-28. Review status: criteria provided, single submitter. Criteria: Myriad Autosomal Dominant, Autosomal Recessive and X-Linked Classification Criteria (2023). Collection method: clinical testing. Allele origin: unknown.
Comment: This variant is considered benign. This variant is a silent/synonymous amino acid change and it is not expected to impact splicing.

Ambry Genetics
Classification: Likely benign for Hereditary cancer-predisposing syndrome. Last evaluated: 2020-09-29. Review status: criteria provided, single submitter. Criteria: Ambry Variant Classification Scheme 2023. Collection method: clinical testing. Allele origin: germline.

NM_004655.4(AXIN2):c.945G>A (p.Thr315=)

Gene: AXIN2 (axin 2; minus strand). Cytogenetic location: 17q24.1.
Variant type: single nucleotide variant.
Coding change: c.945G>A on transcript NM_004655.4 (MANE Select); coding-DNA position 945, G replaced by A.
Protein change: p.Thr315=; no amino-acid change (threonine 315 retained).
Molecular consequence: synonymous variant.
Genome position (GRCh38, 1-based): chr17:65,549,531, C>T on the plus strand (G>A on the coding strand, the complement: AXIN2 is on the minus strand). VCF-style: chr17-65549531-C-T. GRCh37 (hg19) VCF-style: chr17-63545649-C-T.
Other names: c.945G>A, p.Thr315= (NM_001363813.1).
Identifiers: ClinVar variation 859998 (VCV000859998.13), dbSNP rs780797394, ClinGen allele CA8718936.
Genomic context (GRCh38, chr17:65,549,531, plus strand): 5'-TGGCATCCACTCCCAAGCAAGCCCACGGAAGGGTGGCCAGGATACTCACACACTGCTGTC[C>T]GTCATGGACATGGAATCATCCGTCAGCGCATCACTGGATATCTCACTGTCGTTGGCGCTG-3'
Protein context (NP_004646.3, residues 305-325): DALTDDSMSM[Thr315=]DSSVDGIPPY